The following is an entry in ClinVar:

NM_001267550.2(TTN):c.74037_74040del (p.Leu24679fs)

Genes: TTN (titin; minus strand), TTN-AS1 (TTN antisense RNA 1; plus strand). Cytogenetic location: 2q31.2.
Variant type: Deletion.
Coding change: c.74037_74040del on transcript NM_001267550.2 (MANE Select); coding-DNA positions 74037 to 74040, 4 bases deleted (AATT; older notation c.74037_74040delAATT).
Protein change: p.Leu24679fs; shifts the reading frame from leucine 24679.
Molecular consequence: frameshift variant.
Genome position (GRCh38, 1-based): chr2:178,572,092-178,572,095, AATT deleted on the plus strand (AATT on the coding strand, the reverse complement: TTN is on the minus strand); deleting any 4 consecutive bases within chr2:178,572,092-178,572,098 gives the same sequence; the c. name uses the placement nearest the transcript's 3' end. VCF-style (leftmost placement, unchanged base first): chr2-178572091-GAATT-G. GRCh37 (hg19) VCF-style: chr2-179436818-GAATT-G.
Other names: c.69114_69117del, p.Leu23038fs (NM_001256850.1); c.46842_46845del, p.Leu15614fs (NM_003319.4); c.66333_66336del, p.Leu22111fs (NM_133378.4); c.47217_47220del, p.Leu15739fs (NM_133432.3); c.47418_47421del, p.Leu15806fs (NM_133437.4); c.69114_69117delAATT (NM_001256850.1); short protein forms L15739fs, L15806fs, L24679fs, L15614fs, L22111fs, L23038fs.
Identifiers: ClinVar variation 817098 (VCV000817098.1), dbSNP rs1575756800, ClinGen allele CA915942148.

ClinVar aggregate classification (germline): Likely pathogenic (1 of 4 stars; one submission).

Submission:

GeneDx
Classification: Likely pathogenic. Last evaluated: 2018-06-11. Review status: criteria provided, single submitter. Criteria: GeneDx Variant Classification (06012015). Collection method: clinical testing. Allele origin: germline. Affected: yes.
Comment: The c.69114_69117delAATT likely pathogenic variant in the TTN gene has not been published as pathogenic or benign to our knowledge. c.69114_69117delAATT causes a shift in reading frame starting at codon leucine 23038, changing it to a phenylalanine, and creating a premature stop codon at position 24 of the new reading frame, denoted p.Leu23038PhefsX24. This likely pathogenic variant is expected to result in either an abnormal, truncated protein product or loss of protein from this allele through nonsense-mediated mRNA decay. Other truncating TTN variants have been reported in approximately 3% of control alleles (Herman et al., 2012). However, c.69114_69117delAATT is located in the A-band region of titin, where the majority of truncating pathogenic variants associated with DCM have been reported (Herman et al., 2012). Moreover, the c.69114_69117delAATT variant has not been observed in large population cohorts (Lek et al., 2016).In summary, c.69114_69117delAATT in the TTN gene is interpreted as a likely pathogenic variant.